The following is an entry in ClinVar:

NM_001206999.2(CIT):c.6137G>T (p.Gly2046Val)

Gene: CIT (citron rho-interacting serine/threonine kinase; minus strand). Cytogenetic location: 12q24.23.
Variant type: single nucleotide variant.
Coding change: c.6137G>T on transcript NM_001206999.2 (MANE Select); coding-DNA position 6137, G replaced by T.
Protein change: p.Gly2046Val; replaces glycine 2046 with valine.
Molecular consequence: missense variant.
Genome position (GRCh38, 1-based): chr12:119,690,200, C>A on the plus strand (G>T on the coding strand, the complement: CIT is on the minus strand). VCF-style: chr12-119690200-C-A. GRCh37 (hg19) VCF-style: chr12-120128005-C-A.
Other names: c.6011G>T, p.Gly2004Val (NM_007174.3); short protein forms G2004V, G2046V.
Identifiers: ClinVar variation 1713921 (VCV001713921.3), dbSNP rs779935583, ClinGen allele CA386521424.

ClinVar aggregate classification (germline): Uncertain significance (1 of 4 stars; one submission).

Allele frequency attached by ClinVar (database versions not stated): gnomAD 0.00001; TOPMed 0.00002.
gnomAD v4.1: 2 of 1,497,314 alleles (0.00013%); highest among the groups gnomAD compares: Admixed American, 0.0024%; no homozygotes.

Submission:

Labcorp Genetics (formerly Invitae), Labcorp
Classification: Uncertain significance. Last evaluated: 2022-08-15. Review status: criteria provided, single submitter. Criteria: Invitae Variant Classification Sherloc (09022015). Collection method: clinical testing. Allele origin: germline.
Comment: This sequence change replaces glycine, which is neutral and non-polar, with valine, which is neutral and non-polar, at codon 2046 of the CIT protein (p.Gly2046Val). The frequency data for this variant in the population databases is considered unreliable, as metrics indicate poor data quality at this position in the gnomAD database. This variant has not been reported in the literature in individuals affected with CIT-related conditions. Algorithms developed to predict the effect of missense changes on protein structure and function are either unavailable or do not agree on the potential impact of this missense change (SIFT: "Deleterious"; PolyPhen-2: "Benign"; Align-GVGD: "Class C0"). In summary, the available evidence is currently insufficient to determine the role of this variant in disease. Therefore, it has been classified as a Variant of Uncertain Significance.